The following is an entry in ClinVar:

ClinVar aggregate classification (germline): Benign. Review status: criteria provided, multiple submitters, no conflicts (2 of 4 stars). 6 submissions from 6 submitters: Benign (6). Last evaluated 2026-02-03.

Conditions:
Usher syndrome type 2C. Also called: Usher syndrome, type 2B; USHER SYNDROME, TYPE IIC. Identifiers: Orphanet 231178, Orphanet 886, MedGen C2931213, MONDO:0011558, OMIM 605472.
Usher syndrome type 2A. Also called: RETINAL DISEASE IN USHER SYNDROME TYPE IIA, MODIFIER OF; USHER SYNDROME, TYPE IIA. Identifiers: Orphanet 231178, Orphanet 886, MedGen C1848634, MONDO:0010169, OMIM 276901.
Hearing loss, autosomal recessive 57. Also called: DEAFNESS, AUTOSOMAL RECESSIVE 57. Identifiers: MedGen C4693893, MONDO:0033201, OMIM 618003.

Allele frequency attached by ClinVar (database versions not stated): gnomAD exomes 0.02411; ExAC 0.05031; ESP Exome Variant Server 0.00652; TOPMed 0.00968; gnomAD 0.01001 and 0.00775; 1000 Genomes Project 30x 0.02608; 1000 Genomes Project 0.02736.

Submissions (6):

Labcorp Genetics (formerly Invitae), Labcorp
Classification: Benign. Last evaluated: 2026-02-03. Review status: criteria provided, single submitter. Criteria: Invitae Variant Classification Sherloc (09022015). Collection method: clinical testing. Allele origin: germline.

Athena Diagnostics
Classification: Benign. Last evaluated: 2024-07-30. Review status: criteria provided, single submitter. Criteria: Athena Diagnostics Criteria. Collection method: clinical testing. Allele origin: unknown.

Fulgent Genetics
Classification: Benign for Usher syndrome type 2A; Usher syndrome type 2C; Hearing loss, autosomal recessive 57. Last evaluated: 2021-10-18. Review status: criteria provided, single submitter. Criteria: ACMG Guidelines, 2015. Collection method: clinical testing. Allele origin: unknown.

GeneDx
Classification: Benign. Last evaluated: 2018-12-17. Review status: criteria provided, single submitter. Criteria: GeneDx Variant Classification Process June 2021. Collection method: clinical testing. Allele origin: germline. Affected: yes.

Laboratory for Molecular Medicine, Mass General Brigham Personalized Medicine
Classification: Benign. Last evaluated: 2012-04-30. Review status: criteria provided, single submitter. Criteria: LMM Criteria. Collection method: clinical testing. Allele origin: germline. Observed: 14 variant alleles.
Comment: Tyr337Tyr in Exon 08 of PDZD7: This variant is not expected to have clinical sig nificance because it does not alter an amino acid residue, is not located within the splice consensus sequence, and has been identified in 0.8% (53/6688) of Eur opean American chromosomes from a broad population by the NHLBI Exome Sequencing Project (dbSNP rs34705415).

Breakthrough Genomics
Classification: Benign. Review status: criteria provided, single submitter. Criteria: ACMG Guidelines, 2015. Collection method: not provided. Allele origin: germline. Inheritance: Autosomal recessive inheritance. Affected: yes.

Literature cited by the submitters: PubMed 24498627 (cited by Athena Diagnostics).

NM_001195263.2(PDZD7):c.1011C>T (p.Tyr337=)

Gene: PDZD7 (PDZ domain containing 7; minus strand). Cytogenetic location: 10q24.31.
Variant type: single nucleotide variant.
Coding change: c.1011C>T on transcript NM_001195263.2 (MANE Select); coding-DNA position 1011, C replaced by T.
Protein change: p.Tyr337=; no amino-acid change (tyrosine 337 retained).
Molecular consequence: synonymous variant.
Genome position (GRCh38, 1-based): chr10:101,019,135, G>A on the plus strand (C>T on the coding strand, the complement: PDZD7 is on the minus strand). VCF-style: chr10-101019135-G-A. GRCh37 (hg19) VCF-style: chr10-102778892-G-A.
Other names: c.1011C>T, p.Tyr337= (NM_001351044.2, NM_024895.5).
Identifiers: ClinVar variation 46206 (VCV000046206.20), dbSNP rs34705415, ClinGen allele CA137868.